The following is an entry in ClinVar:

ClinVar aggregate classification (germline): Uncertain significance. Review status: criteria provided, multiple submitters, no conflicts (2 of 4 stars). 2 submissions from 2 submitters: Uncertain significance (2). Last evaluated 2024-09-22.

Conditions:
Inborn genetic diseases. Identifiers: MedGen C0950123, MeSH D030342.
Dextro-looped transposition of the great arteries. Also called: Dextrotransposition of the great arteries. Identifiers: Orphanet 860, MedGen C3531771, MONDO:0019443, OMIM 608808, HP:0031348.

Allele frequency attached by ClinVar (database versions not stated): TOPMed below 0.00001.

Submissions (2):

Labcorp Genetics (formerly Invitae), Labcorp
Classification: Uncertain significance for Dextro-looped transposition of the great arteries. Last evaluated: 2024-09-22. Review status: criteria provided, single submitter. Criteria: Invitae Variant Classification Sherloc (09022015). Collection method: clinical testing. Allele origin: germline.
Comment: This sequence change replaces serine, which is neutral and polar, with alanine, which is neutral and non-polar, at codon 228 of the MED13L protein (p.Ser228Ala). This variant is not present in population databases (gnomAD no frequency). This variant has not been reported in the literature in individuals affected with MED13L-related conditions. Invitae Evidence Modeling of protein sequence and biophysical properties (such as structural, functional, and spatial information, amino acid conservation, physicochemical variation, residue mobility, and thermodynamic stability) indicates that this missense variant is expected to disrupt MED13L protein function with a positive predictive value of 80%. In summary, the available evidence is currently insufficient to determine the role of this variant in disease. Therefore, it has been classified as a Variant of Uncertain Significance.

Ambry Genetics
Classification: Uncertain significance for Inborn genetic diseases. Last evaluated: 2023-12-28. Review status: criteria provided, single submitter. Criteria: Ambry Variant Classification Scheme 2023. Collection method: clinical testing. Allele origin: germline.

NM_015335.5(MED13L):c.682T>G (p.Ser228Ala)

Gene: MED13L (mediator complex subunit 13L; minus strand). Cytogenetic location: 12q24.21.
Variant type: single nucleotide variant.
Coding change: c.682T>G on transcript NM_015335.5 (MANE Select); coding-DNA position 682, T replaced by G.
Protein change: p.Ser228Ala; replaces serine 228 with alanine.
Molecular consequence: missense variant.
Genome position (GRCh38, 1-based): chr12:116,019,916, A>C on the plus strand (T>G on the coding strand, the complement: MED13L is on the minus strand). VCF-style: chr12-116019916-A-C. GRCh37 (hg19) VCF-style: chr12-116457721-A-C.
Other names: short protein forms S228A.
Identifiers: ClinVar variation 3124935 (VCV003124935.3), dbSNP rs1879954912, ClinGen allele CA386871344.
Genomic context (GRCh38, chr12:116,019,916, plus strand): 5'-TTAGCACCATCGGGTAGAAATACTGCCATTCCTCAATCAACTTACGAGTGGCTGGGTCTG[A>C]CATCTTGTATGCTTGGCCTGTTAGCGTCCCATTTAAGCCATAAGGACTTACCAGTACTAT-3'
Protein context (NP_056150.1, residues 218-238): GTLTGQAYKM[Ser228Ala]DPATRKLIEE